The following is an entry in ClinVar:

NM_000069.3(CACNA1S):c.2917T>C (p.Tyr973His)

Gene: CACNA1S (calcium voltage-gated channel subunit alpha1 S; minus strand). Cytogenetic location: 1q32.1.
Variant type: single nucleotide variant.
Coding change: c.2917T>C on transcript NM_000069.3 (MANE Select); coding-DNA position 2917, T replaced by C.
Protein change: p.Tyr973His; replaces tyrosine 973 with histidine.
Molecular consequence: missense variant.
Genome position (GRCh38, 1-based): chr1:201,062,080, A>G on the plus strand (T>C on the coding strand, the complement: CACNA1S is on the minus strand). VCF-style: chr1-201062080-A-G. GRCh37 (hg19) VCF-style: chr1-201031208-A-G.
Other names: short protein forms Y973H.
Identifiers: ClinVar variation 3073903 (VCV003073903.3), dbSNP rs2464501779, ClinGen allele CA344163752.

ClinVar aggregate classification (germline): Uncertain significance. Review status: criteria provided, multiple submitters, no conflicts (2 of 4 stars). 2 submissions from 2 submitters: Uncertain significance (2). Last evaluated 2025-01-23.

Conditions:
Malignant hyperthermia, susceptibility to, 5 (MHS5). Also called: CACNA1S-Related Malignant Hyperthermia Susceptibility. Identifiers: Orphanet 423, MedGen C1866077, MONDO:0011163, OMIM 601887.
Hypokalemic periodic paralysis, type 1. Also called: HypoPP; Hypokalemic Periodic Paralysis Type 1 (AD). Identifiers: Orphanet 681, MedGen C3714580, MONDO:0042979, OMIM 170400.

Submissions (2):

Labcorp Genetics (formerly Invitae), Labcorp
Classification: Uncertain significance for Hypokalemic periodic paralysis, type 1; Malignant hyperthermia, susceptibility to, 5. Last evaluated: 2025-01-23. Review status: criteria provided, single submitter. Criteria: Invitae Variant Classification Sherloc (09022015). Collection method: clinical testing. Allele origin: germline.
Comment: This sequence change replaces tyrosine, which is neutral and polar, with histidine, which is basic and polar, at codon 973 of the CACNA1S protein (p.Tyr973His). This variant is not present in population databases (gnomAD no frequency). This variant has not been reported in the literature in individuals affected with CACNA1S-related conditions. ClinVar contains an entry for this variant (Variation ID: 3073903). Invitae Evidence Modeling of protein sequence and biophysical properties (such as structural, functional, and spatial information, amino acid conservation, physicochemical variation, residue mobility, and thermodynamic stability) indicates that this missense variant is not expected to disrupt CACNA1S protein function with a negative predictive value of 95%. In summary, the available evidence is currently insufficient to determine the role of this variant in disease. Therefore, it has been classified as a Variant of Uncertain Significance.

All of Us Research Program, National Institutes of Health
Classification: Uncertain significance for Malignant hyperthermia, susceptibility to, 5. Last evaluated: 2023-11-30. Review status: criteria provided, single submitter. Criteria: ACMG Guidelines, 2015. Collection method: clinical testing. Allele origin: germline. Inheritance: Autosomal dominant inheritance. Observed: 1 variant allele, 1 heterozygote.
Comment: This study involves interpretation of variants in research participants for the purpose of population health screening. Participant phenotype was not available at the time of variant classification. Additional details can be found in publication PMID: 35346344, PMCID: PMC8962531